The following is an entry in ClinVar:

NM_006899.5(IDH3B):c.159G>A (p.Met53Ile)

Gene: IDH3B (isocitrate dehydrogenase (NAD(+)) 3 non-catalytic subunit beta; minus strand). Cytogenetic location: 20p13.
Variant type: single nucleotide variant.
Coding change: c.159G>A on transcript NM_006899.5 (MANE Select); coding-DNA position 159, G replaced by A.
Protein change: p.Met53Ile; replaces methionine 53 with isoleucine.
Molecular consequence: missense variant. On other transcripts: non-coding transcript variant (1).
Genome position (GRCh38, 1-based): chr20:2,663,717, C>T on the plus strand (G>A on the coding strand, the complement: IDH3B is on the minus strand). VCF-style: chr20-2663717-C-T. GRCh37 (hg19) VCF-style: chr20-2644363-C-T.
Other names: c.159G>A, p.Met53Ile (NM_001258384.3, NM_001330763.2, NM_174855.4); short protein forms M53I.
Identifiers: ClinVar variation 1394424 (VCV001394424.6), dbSNP rs2146319930, ClinGen allele CA408040310.

ClinVar aggregate classification (germline): Uncertain significance (1 of 4 stars; one submission).

Allele frequency attached by ClinVar (database versions not stated): gnomAD exomes below 0.00001.
gnomAD v4.1: 1 of 1,614,222 alleles (0.000062%); highest among the groups gnomAD compares: Non-Finnish European, 0.000085%; no homozygotes.

Submission:

Labcorp Genetics (formerly Invitae), Labcorp
Classification: Uncertain significance. Last evaluated: 2021-05-19. Review status: criteria provided, single submitter. Criteria: Invitae Variant Classification Sherloc (09022015). Collection method: clinical testing. Allele origin: germline.
Comment: In summary, the available evidence is currently insufficient to determine the role of this variant in disease. Therefore, it has been classified as a Variant of Uncertain Significance. Algorithms developed to predict the effect of missense changes on protein structure and function are either unavailable or do not agree on the potential impact of this missense change (SIFT: "Not Available"; PolyPhen-2: "Possibly Damaging"; Align-GVGD: "Not Available"). This variant has not been reported in the literature in individuals with IDH3B-related conditions. This variant is not present in population databases (ExAC no frequency). This sequence change replaces methionine with isoleucine at codon 53 of the IDH3B protein (p.Met53Ile). The methionine residue is moderately conserved and there is a small physicochemical difference between methionine and isoleucine.